The following is an entry in ClinVar:

ClinVar aggregate classification (germline): Uncertain significance (1 of 4 stars; one submission).

Conditions:
Congenital bile acid synthesis defect 6. Identifiers: MedGen C4310624, MONDO:0015015, OMIM 617308.

gnomAD v4.1: 1 of 1,614,088 alleles (0.000062%); highest among the groups gnomAD compares: South Asian, 0.0011%; no homozygotes.

Submission:

Neuberg Centre For Genomic Medicine, NCGM
Classification: Uncertain significance for Congenital bile acid synthesis defect 6. Last evaluated: 2023-06-22. Review status: criteria provided, single submitter. Criteria: ACMG Guidelines, 2015. Collection method: clinical testing. Allele origin: germline. Inheritance: Autosomal recessive inheritance. Affected: yes.
Comment: The invariant splice donor c.1983+2T>C in ACOX2 gene has not been reported previously as a pathogenic variant nor as a benign variant, to our knowledge. The c.1983+2T>C variant is absent in gnomAD Exomes. This variant has not been submitted to the ClinVar database. SpliceAI predicts this variant to cause splice donor loss (score-0.96). However, this variant is present in the last intron, loss of function is not a known mechanism of this gene. For these reasons, this variant has been classified as Variant of Uncertain Significance (VUS). In the absence of another reportable variant in ACOX2 gene, the molecular diagnosis is not confirmed.

NM_003500.4(ACOX2):c.1983+2T>C

Gene: ACOX2 (acyl-CoA oxidase 2; minus strand). Cytogenetic location: 3p14.3.
Variant type: single nucleotide variant.
Coding change: c.1983+2T>C on transcript NM_003500.4 (MANE Select); the canonical splice donor site of the intron after coding-DNA position 1983, T replaced by C.
Molecular consequence: splice donor variant.
Genome position (GRCh38, 1-based): chr3:58,508,891, A>G on the plus strand (T>C on the coding strand, the complement: ACOX2 is on the minus strand). VCF-style: chr3-58508891-A-G. GRCh37 (hg19) VCF-style: chr3-58494618-A-G.
Identifiers: ClinVar variation 3603299 (VCV003603299.1).